The following is an entry in ClinVar:

NM_024649.5(BBS1):c.1A>T (p.Met1Leu)

Gene: BBS1 (Bardet-Biedl syndrome 1; plus strand). Cytogenetic location: 11q13.2.
Variant type: single nucleotide variant.
Coding change: c.1A>T on transcript NM_024649.5 (MANE Select); coding-DNA position 1, A replaced by T.
Protein change: p.Met1Leu; changes the start codon (methionine 1).
Molecular consequence: missense variant, initiator codon variant.
Genome position (GRCh38, 1-based): chr11:66,510,660, A>T. VCF-style: chr11-66510660-A-T. GRCh37 (hg19) VCF-style: chr11-66278131-A-T.
Other names: short protein forms M1L.
Identifiers: ClinVar variation 554279 (VCV000554279.9), dbSNP rs1306821707, ClinGen allele CA381453162.

ClinVar aggregate classification (germline): Pathogenic. Review status: criteria provided, single submitter (1 of 4 stars). 2 submissions from 2 submitters: Pathogenic (1). 1 of the submissions does not count toward it. Last evaluated 2022-10-04.

Conditions:
Bardet-Biedl syndrome (BBS). Identifiers: Orphanet 110, MedGen C0752166, MONDO:0015229.
Bardet-Biedl syndrome 1 (BBS1). Identifiers: MedGen C2936862, MONDO:0008854, OMIM 209900. Disease mechanism: loss of function.

Submissions (2):

Labcorp Genetics (formerly Invitae), Labcorp
Classification: Pathogenic for Bardet-Biedl syndrome. Last evaluated: 2022-10-04. Review status: criteria provided, single submitter. Criteria: Invitae Variant Classification Sherloc (09022015). Collection method: clinical testing. Allele origin: germline.
Comment: For these reasons, this variant has been classified as Pathogenic. ClinVar contains an entry for this variant (Variation ID: 554279). Disruption of the initiator codon has been observed in individual(s) with Bardet-Biedl syndrome (PMID: 17980398). This variant is not present in population databases (gnomAD no frequency). This sequence change affects the initiator methionine of the BBS1 mRNA. The next in-frame methionine is located at codon 31.

Counsyl
Classification: Likely pathogenic for Bardet-Biedl syndrome 1. Last evaluated: 2017-10-11. Review status: no assertion criteria provided. Collection method: clinical testing. Allele origin: unknown. Not counted in ClinVar's aggregate classification.

Literature cited by the submitters: PubMed 17980398 (cited by Labcorp Genetics (formerly Invitae), Labcorp).